The following is an entry in ClinVar:

NM_000051.4(ATM):c.6758A>C (p.Lys2253Thr)

Genes: C11orf65 (chromosome 11 open reading frame 65; minus strand), ATM (ATM serine/threonine kinase; plus strand). Cytogenetic location: 11q22.3.
Variant type: single nucleotide variant.
Coding change: c.6758A>C on transcript NM_000051.4 (MANE Select); coding-DNA position 6758, A replaced by C.
Protein change: p.Lys2253Thr; replaces lysine 2253 with threonine.
Molecular consequence: missense variant. On other transcripts: intron variant (2).
Genome position (GRCh38, 1-based): chr11:108,325,495, A>C. VCF-style: chr11-108325495-A-C. GRCh37 (hg19) VCF-style: chr11-108196222-A-C.
Other names: c.6758A>C, p.Lys2253Thr (NM_001351834.2); c.641-16424T>G (NM_001330368.2); c.*38+9725T>G (NM_001351110.2); short protein forms K2253T.
Identifiers: ClinVar variation 186930 (VCV000186930.27), dbSNP rs786203332, ClinGen allele CA196266.
Genomic context (GRCh38, chr11:108,325,495, plus strand): 5'-TCCTGATGGAAAAGGAAATGGACAACTCACAAAGAGAATGTATTAAGGACATTCTCACCA[A>C]ACACCTTGTAGAACTCTCTATACTGGCCAGAACTTTCAAGAACACTCAGGTAAATACAAT-3'
Protein context (NP_000042.3, residues 2243-2263): QRECIKDILT[Lys2253Thr]HLVELSILAR

ClinVar aggregate classification (germline): Uncertain significance. Review status: criteria provided, multiple submitters, no conflicts (2 of 4 stars). 6 submissions from 6 submitters: Uncertain significance (5). 1 of the submissions does not count toward it. Last evaluated 2025-10-07.

Conditions:
Hereditary cancer-predisposing syndrome. Also called: Hereditary Cancer Syndrome; Tumor predisposition; Neoplastic Syndromes, Hereditary; Hereditary neoplastic syndrome. Identifiers: Orphanet 140162, MedGen C0027672, MeSH D009386, MONDO:0015356.
Familial cancer of breast. Also called: hereditary breast carcinoma; BREAST CANCER, FAMILIAL; Hereditary breast cancer. Identifiers: Orphanet 227535, MedGen C0346153, MONDO:0016419, OMIM 114480. Disease mechanism: loss of function.
Ataxia-telangiectasia syndrome (AT). Also called: ATAXIA-TELANGIECTASIA, COMPLEMENTATION GROUP A; ATAXIA-TELANGIECTASIA, FRESNO VARIANT; Ataxia-telangiectasia; Ataxia-telangiectasia, complementation group E; Cerebello-oculocutaneous telangiectasia; Immunodeficiency with ataxia telangiectasia. Identifiers: Orphanet 100, MedGen C0004135, MONDO:0008840, OMIM 208900.

Allele frequency attached by ClinVar (database versions not stated): TOPMed 0.00001.

Submissions (6):

Labcorp Genetics (formerly Invitae), Labcorp
Classification: Uncertain significance for Ataxia-telangiectasia syndrome. Last evaluated: 2025-10-07. Review status: criteria provided, single submitter. Criteria: Invitae Variant Classification Sherloc (09022015). Collection method: clinical testing. Allele origin: germline.
Comment: This sequence change replaces lysine, which is basic and polar, with threonine, which is neutral and polar, at codon 2253 of the ATM protein (p.Lys2253Thr). This variant is not present in population databases (gnomAD no frequency). This missense change has been observed in individual(s) with chronic lymphocytic leukemia (PMID: 28652578). ClinVar contains an entry for this variant (Variation ID: 186930). Invitae Evidence Modeling of protein sequence and biophysical properties (such as structural, functional, and spatial information, amino acid conservation, physicochemical variation, residue mobility, and thermodynamic stability) indicates that this missense variant is not expected to disrupt ATM protein function with a negative predictive value of 95%. In summary, the available evidence is currently insufficient to determine the role of this variant in disease. Therefore, it has been classified as a Variant of Uncertain Significance.

Ambry Genetics
Classification: Uncertain significance for Hereditary cancer-predisposing syndrome. Last evaluated: 2024-08-01. Review status: criteria provided, single submitter. Criteria: Ambry Variant Classification Scheme 2023. Collection method: clinical testing. Allele origin: germline.
Comment: The p.K2253T variant (also known as c.6758A>C), located in coding exon 45 of the ATM gene, results from an A to C substitution at nucleotide position 6758. The lysine at codon 2253 is replaced by threonine, an amino acid with similar properties. This amino acid position is not well conserved in available vertebrate species. In addition, this alteration is predicted to be tolerated by in silico analysis. Based on the available evidence, the clinical significance of this variant remains unclear.

Baylor Genetics
Classification: Uncertain significance for Familial cancer of breast. Last evaluated: 2023-06-01. Review status: criteria provided, single submitter. Criteria: ACMG Guidelines, 2015. Collection method: clinical testing. Allele origin: unknown.

Women's Health and Genetics/Laboratory Corporation of America, LabCorp
Classification: Uncertain significance. Last evaluated: 2020-02-25. Review status: criteria provided, single submitter. Criteria: LabCorp Variant Classification Summary - May 2015. Collection method: clinical testing. Allele origin: germline.
Comment: Variant summary: ATM c.6758A>C (p.Lys2253Thr) results in a non-conservative amino acid change located in the PIK-related kinase, FAT domain of the encoded protein sequence. Three of four in-silico tools predict a benign effect of the variant on protein function. The variant was absent in 250460 control chromosomes. The available data on variant occurrences in the general population are insufficient to allow any conclusion about variant significance. c.6758A>C has been reported in the literature in an individual affected with CLL (Tiao_2017). This report does not provide unequivocal conclusions about the association of the variant with Ataxia-Telangiectasia. To our knowledge, no experimental evidence demonstrating an impact on protein function has been reported. Two clinical diagnostic laboratories have submitted clinical-significance assessments for this variant to ClinVar after 2014 without evidence for independent evaluation. All laboratories classified the variant as uncertain significance. Based on the evidence outlined above, the variant was classified as uncertain significance.

Color Diagnostics, LLC DBA Color Health
Classification: Uncertain significance for Hereditary cancer-predisposing syndrome. Last evaluated: 2019-06-06. Review status: criteria provided, single submitter. Criteria: ACMG Guidelines, 2015. Collection method: clinical testing. Allele origin: germline.

Natera, Inc.
Classification: Uncertain significance for Ataxia-telangiectasia. Last evaluated: 2020-10-12. Review status: no assertion criteria provided. Collection method: clinical testing. Allele origin: germline. Not counted in ClinVar's aggregate classification.

Literature cited by the submitters: PubMed 28652578 (cited by Labcorp Genetics (formerly Invitae), Labcorp and Women's Health and Genetics/Laboratory Corporation of America, LabCorp).